The following is an entry in ClinVar:

NM_005219.4(DIAPH1):c.3439-3del

Gene: DIAPH1 (diaphanous related formin 1; minus strand). Cytogenetic location: 5q31.3.
Variant type: Deletion.
Coding change: c.3439-3del on transcript NM_005219.4; 3 bases into the intron before coding-DNA position 3439, one base deleted (C; older notation c.3439-3delC).
Molecular consequence: intron variant (on NM_005219.5).
Genome position (GRCh38, 1-based): chr5:141,526,176, G deleted on the plus strand (C on the coding strand, the reverse complement: DIAPH1 is on the minus strand); the first of 4 consecutive G bases (chr5:141,526,176-141,526,179); deleting any one gives the same sequence. VCF-style (leftmost placement, unchanged base first): chr5-141526175-TG-T. GRCh37 (hg19) VCF-style: chr5-140905742-TG-T.
Other names: c.3412-3del (NM_001079812.3); c.3439-3del (NM_005219.5, NM_001314007.2); c.3439-3delC (NM_005219.4).
Identifiers: ClinVar variation 475707 (VCV000475707.12), dbSNP rs1335130331, ClinGen allele CA563502719.
Genomic context (GRCh38, chr5:141,526,175, plus strand): 5'-TTTGCTCGCCTCATCTTTTCTTCTGTCTCCCGCCGCTTCTGGTTCTCCTTGACTGCTTGC[TG>T]GGGCAGGGAAGAGGAGGAAGGAACACATGGGCATTGTATACCTACTACCAGCCAACAGGA-3'

ClinVar aggregate classification (germline): Conflicting classifications of pathogenicity. Review status: criteria provided, conflicting classifications (1 of 4 stars). 2 submissions from 2 submitters: Uncertain significance (1); Likely benign (1). Last evaluated 2025-05-12.

Conditions:
Progressive microcephaly-seizures-cortical blindness-developmental delay syndrome. Also called: Seizures, cortical blindness, and microcephaly syndrome. Identifiers: Orphanet 477814, MedGen C5567650, MONDO:0014714, OMIM 616632.
Autosomal dominant nonsyndromic hearing loss 1. Also called: KONIGSMARK SYNDROME; DEAFNESS, AUTOSOMAL DOMINANT 1, WITH OR WITHOUT THROMBOCYTOPENIA. Identifiers: Orphanet 90635, MedGen C1852282, MONDO:0007424, OMIM 124900.

Submissions (2):

Labcorp Genetics (formerly Invitae), Labcorp
Classification: Likely benign for Progressive microcephaly-seizures-cortical blindness-developmental delay syndrome; Autosomal dominant nonsyndromic hearing loss 1. Last evaluated: 2025-05-12. Review status: criteria provided, single submitter. Criteria: Invitae Variant Classification Sherloc (09022015). Collection method: clinical testing. Allele origin: germline.

Laboratory for Molecular Medicine, Mass General Brigham Personalized Medicine
Classification: Uncertain significance. Last evaluated: 2018-10-30. Review status: criteria provided, single submitter. Criteria: LMM Criteria. Collection method: clinical testing. Allele origin: germline. Observed: 1 variant allele.
Comment: The c.3439-3delC variant in DIAPH1 has not been previously reported in individua ls with hearing loss, but has been identified in 0.0008% (1/113216) of European chromosomes by gnomAD. This variant has also been reported in ClinVar (Variation ID 475707). The c.3439-3delC variant is loca ted in the 3' splice region. Computational tools do not predict a splicing impac t, though this information is not predictive enough to rule out pathogenicity. I n summary, the clinical significance of this variant is uncertain. ACMG/AMP Crit eria applied: PM2, BP4.